The following is an entry in ClinVar:

ClinVar aggregate classification (germline): Uncertain significance (1 of 4 stars; one submission).

Conditions:
Familial hemophagocytic lymphohistiocytosis 2 (FHL2). Also called: PRF1-Related Familial Hemophagocytic Lymphohistiocytosis (PRF1-fHLH). Identifiers: Orphanet 540, MedGen C1863727, MONDO:0011337, OMIM 603553.

Allele frequency attached by ClinVar (database versions not stated): gnomAD exomes below 0.00001.
gnomAD v4.1: 1 of 1,614,052 alleles (0.000062%); highest among the groups gnomAD compares: Admixed American, 0.0017%; no homozygotes.

Submission:

Labcorp Genetics (formerly Invitae), Labcorp
Classification: Uncertain significance for Familial hemophagocytic lymphohistiocytosis 2. Last evaluated: 2020-02-21. Review status: criteria provided, single submitter. Criteria: Invitae Variant Classification Sherloc (09022015). Collection method: clinical testing. Allele origin: germline.
Comment: This variant is not present in population databases (ExAC no frequency). This sequence change replaces histidine with leucine at codon 202 of the PRF1 protein (p.His202Leu). The histidine residue is weakly conserved and there is a moderate physicochemical difference between histidine and leucine. This variant has not been reported in the literature in individuals with PRF1-related conditions. Algorithms developed to predict the effect of missense changes on protein structure and function output the following: SIFT: "Tolerated"; PolyPhen-2: "Benign"; Align-GVGD: "Class C0". The leucine amino acid residue is found in multiple mammalian species, suggesting that this missense change does not adversely affect protein function. These predictions have not been confirmed by published functional studies and their clinical significance is uncertain. In summary, the available evidence is currently insufficient to determine the role of this variant in disease. Therefore, it has been classified as a Variant of Uncertain Significance.

NM_001083116.3(PRF1):c.605A>T (p.His202Leu)

Gene: PRF1 (perforin 1; minus strand). Cytogenetic location: 10q22.1.
Variant type: single nucleotide variant.
Coding change: c.605A>T on transcript NM_001083116.3 (MANE Select); coding-DNA position 605, A replaced by T.
Protein change: p.His202Leu; replaces histidine 202 with leucine.
Molecular consequence: missense variant.
Genome position (GRCh38, 1-based): chr10:70,599,116, T>A on the plus strand (A>T on the coding strand, the complement: PRF1 is on the minus strand). VCF-style: chr10-70599116-T-A. GRCh37 (hg19) VCF-style: chr10-72358872-T-A.
Other names: c.605A>T, p.His202Leu (NM_005041.6); short protein forms H202L.
Identifiers: ClinVar variation 1042123 (VCV001042123.9), dbSNP rs1848182798, ClinGen allele CA376959053.